The following is an entry in ClinVar:

ClinVar aggregate classification (germline): Uncertain significance (1 of 4 stars; one submission).

Conditions:
Hereditary cancer-predisposing syndrome. Also called: Neoplastic Syndromes, Hereditary; Tumor predisposition; Hereditary neoplastic syndrome; Hereditary Cancer Syndrome. Identifiers: Orphanet 140162, MedGen C0027672, MeSH D009386, MONDO:0015356.

Submission:

Ambry Genetics
Classification: Uncertain significance for Hereditary cancer-predisposing syndrome. Last evaluated: 2025-07-16. Review status: criteria provided, single submitter. Criteria: Ambry Variant Classification Scheme 2023. Collection method: clinical testing. Allele origin: germline.
Comment: The p.G1921R variant (also known as c.5761G>C), located in coding exon 15 of the APC gene, results from a G to C substitution at nucleotide position 5761. The glycine at codon 1921 is replaced by arginine, an amino acid with dissimilar properties. This amino acid position is not well conserved in available vertebrate species. In addition, in silico predictors for this gene do not accurately predict pathogenicity. Missense alterations in APC are not a common cause of disease (Spier I et al. Genet Med. 2024 Feb;26(2):100992). Based on the available evidence, the clinical significance of this variant remains unclear.

NM_000038.6(APC):c.5761G>C (p.Gly1921Arg)

Gene: APC (APC regulator of Wnt signaling pathway; plus strand). Cytogenetic location: 5q22.2.
Variant type: single nucleotide variant.
Coding change: c.5761G>C on transcript NM_000038.6 (MANE Select); coding-DNA position 5761, G replaced by C.
Protein change: p.Gly1921Arg; replaces glycine 1921 with arginine.
Molecular consequence: missense variant.
Genome position (GRCh38, 1-based): chr5:112,841,355, G>C. VCF-style: chr5-112841355-G-C. GRCh37 (hg19) VCF-style: chr5-112177052-G-C.
Other names: c.5761G>C, p.Gly1921Arg (NM_001127510.3, NM_001354895.2); c.5707G>C, p.Gly1903Arg (NM_001127511.3); c.5815G>C, p.Gly1939Arg (NM_001354896.2); c.5791G>C, p.Gly1931Arg (NM_001354897.2); c.5686G>C, p.Gly1896Arg (NM_001354898.2); c.5677G>C, p.Gly1893Arg (NM_001354899.2); c.5638G>C, p.Gly1880Arg (NM_001354900.2); c.5584G>C, p.Gly1862Arg (NM_001354901.2); and 5 more; short protein forms G1939R, G1638R, G1761R, G1795R, G1820R, G1896R, G1931R, G1880R.
Identifiers: ClinVar variation 825949 (VCV000825949.5), dbSNP rs1060503324, ClinGen allele CA16033937.